The following is an entry in ClinVar:

NM_005633.4(SOS1):c.2670T>A (p.Phe890Leu)

Gene: SOS1 (SOS Ras/Rac guanine nucleotide exchange factor 1; minus strand). Cytogenetic location: 2p22.1.
Variant type: single nucleotide variant.
Coding change: c.2670T>A on transcript NM_005633.4 (MANE Select); coding-DNA position 2670, T replaced by A.
Protein change: p.Phe890Leu; replaces phenylalanine 890 with leucine.
Molecular consequence: missense variant.
Genome position (GRCh38, 1-based): chr2:39,007,034, A>T on the plus strand (T>A on the coding strand, the complement: SOS1 is on the minus strand). VCF-style: chr2-39007034-A-T. GRCh37 (hg19) VCF-style: chr2-39234175-A-T.
Other names: c.2649T>A, p.Phe883Leu (NM_001382394.1); c.2670T>A, p.Phe890Leu (NM_001382395.1); short protein forms F890L, F883L.
Identifiers: ClinVar variation 2135814 (VCV002135814.4), dbSNP rs768337141, ClinGen allele CA1624369.

ClinVar aggregate classification (germline): Uncertain significance (1 of 4 stars; one submission).

Conditions:
RASopathy. Also called: rasopathies; Noonan spectrum disorder. Identifiers: Orphanet 536391, MedGen C5555857, MONDO:0021060.

Allele frequency attached by ClinVar (database versions not stated): ExAC 0.00001.
gnomAD v4.1: 4 of 1,606,908 alleles (0.00025%); highest among the groups gnomAD compares: Non-Finnish European, 0.00034%; no homozygotes.

Submission:

Labcorp Genetics (formerly Invitae), Labcorp
Classification: Uncertain significance for RASopathy. Last evaluated: 2022-08-22. Review status: criteria provided, single submitter. Criteria: Invitae Variant Classification Sherloc (09022015). Collection method: clinical testing. Allele origin: germline.
Comment: In summary, the available evidence is currently insufficient to determine the role of this variant in disease. Therefore, it has been classified as a Variant of Uncertain Significance. Algorithms developed to predict the effect of missense changes on protein structure and function are either unavailable or do not agree on the potential impact of this missense change (SIFT: "Deleterious"; PolyPhen-2: "Benign"; Align-GVGD: "Class C0"). This variant has not been reported in the literature in individuals affected with SOS1-related conditions. This variant is present in population databases (rs768337141, gnomAD 0.0009%). This sequence change replaces phenylalanine, which is neutral and non-polar, with leucine, which is neutral and non-polar, at codon 890 of the SOS1 protein (p.Phe890Leu).